The following is an entry in ClinVar:

ClinVar aggregate classification (germline): Conflicting classifications of pathogenicity. Review status: criteria provided, conflicting classifications (1 of 4 stars). 4 submissions from 2 submitters: Uncertain significance (2); Likely benign (2). Last evaluated 2022-07-23.

Conditions:
Complement component 3 deficiency. Identifiers: Orphanet 280133, MedGen C3151071, MONDO:0013417, OMIM 613779.
Age related macular degeneration 9. Identifiers: MedGen C1969651, MONDO:0012659, OMIM 611378.
Atypical hemolytic-uremic syndrome with C3 anomaly. Also called: AHUS, SUSCEPTIBILITY TO, 5. Identifiers: Orphanet 2134, MedGen C2752037, MONDO:0013043, OMIM 612925.

Allele frequency attached by ClinVar (database versions not stated): gnomAD 0.00001; gnomAD exomes 0.00001 and 0.00004; TOPMed 0.00002; ExAC 0.00004.
gnomAD v4.1: 12 of 1,580,234 alleles (0.00076%); highest among the groups gnomAD compares: East Asian, 0.014%; no homozygotes.

Submissions (4):

Labcorp Genetics (formerly Invitae), Labcorp
Classification: Likely benign. Last evaluated: 2022-07-23. Review status: criteria provided, single submitter. Criteria: Invitae Variant Classification Sherloc (09022015). Collection method: clinical testing. Allele origin: germline.

Illumina Laboratory Services, Illumina
Classification: Uncertain significance for Complement component 3 deficiency. Last evaluated: 2018-01-13. Review status: criteria provided, single submitter. Criteria: ICSL Variant Classification Criteria 13 December 2019. Collection method: clinical testing. Allele origin: germline.

Illumina Laboratory Services, Illumina
Classification: Likely benign for Atypical hemolytic-uremic syndrome with C3 anomaly. Last evaluated: 2018-01-13. Review status: criteria provided, single submitter. Criteria: ICSL Variant Classification Criteria 13 December 2019. Collection method: clinical testing. Allele origin: germline.
Comment: This variant was observed in the ICSL laboratory as part of a predisposition screen in an ostensibly healthy population. It had not been previously curated by ICSL or reported in the Human Gene Mutation Database (HGMD: prior to June 1st, 2018), and was therefore a candidate for classification through an automated scoring system. Utilizing variant allele frequency, disease prevalence and penetrance estimates, and inheritance mode, an automated score was calculated to assess if this variant is too frequent to cause the disease. Based on the score and internal cut-off values, a variant classified as likely benign is not then subjected to further curation. The score for this variant resulted in a classification of likely benign for this disease.

Illumina Laboratory Services, Illumina
Classification: Uncertain significance for Age related macular degeneration 9. Last evaluated: 2018-01-13. Review status: criteria provided, single submitter. Criteria: ICSL Variant Classification Criteria 13 December 2019. Collection method: clinical testing. Allele origin: germline.

NM_000064.4(C3):c.4941G>A (p.Gln1647=)

Gene: C3 (complement C3; minus strand). Cytogenetic location: 19p13.3.
Variant type: single nucleotide variant.
Coding change: c.4941G>A on transcript NM_000064.4 (MANE Select); coding-DNA position 4941, G replaced by A.
Protein change: p.Gln1647=; no amino-acid change (glutamine 1647 retained).
Molecular consequence: synonymous variant.
Genome position (GRCh38, 1-based): chr19:6,677,933, C>T on the plus strand (G>A on the coding strand, the complement: C3 is on the minus strand). VCF-style: chr19-6677933-C-T. GRCh37 (hg19) VCF-style: chr19-6677944-C-T.
Other names: c.4941G>A (LRG_27t1).
Identifiers: ClinVar variation 330269 (VCV000330269.9), dbSNP rs780251209, ClinGen allele CA9128196.
Genomic context (GRCh38, chr19:6,677,933, plus strand): 5'-GGGGTGTGGTCAGTTGGGGCACCCAAAGACAACCATGCTCTCGGTGAAGGCGCCGAGGTC[C>T]TGGCATTGTTTCTGGTTCTCTTCGTCTTGGCATTCGTCCTCCTCGGGCCAGTGCTCCACC-3'
Protein context (NP_000055.2, residues 1637-1657): CQDEENQKQC[Gln1647=]DLGAFTESMV